The following is an entry in ClinVar:

NM_005120.3(MED12):c.736-4A>G

Gene: MED12 (mediator complex subunit 12; plus strand). Cytogenetic location: Xq13.1.
Variant type: single nucleotide variant.
Coding change: c.736-4A>G on transcript NM_005120.3 (MANE Select); 4 bases into the intron before coding-DNA position 736, A replaced by G.
Molecular consequence: intron variant.
Genome position (GRCh38, 1-based): chrX:71,121,323, A>G. VCF-style: chrX-71121323-A-G. GRCh37 (hg19) VCF-style: chrX-70341173-A-G.
Identifiers: ClinVar variation 391399 (VCV000391399.6), dbSNP rs371311763, ClinGen allele CA10444076.
Genomic context (GRCh38, chrX:71,121,323, plus strand): 5'-CTTTTCATTTACTTTATCTGCTTCATCTCTAATAGTCCCCTCTTCCCTCCCCTGGTACCC[A>G]TAGGATGGAATGCTGGACAGACATGAGTTCCTGACCTGGGTGCTTGAGTGTTTTGAGAAG-3'

ClinVar aggregate classification (germline): Likely benign. Review status: criteria provided, multiple submitters, no conflicts (2 of 4 stars). 3 submissions from 3 submitters: Likely benign (2). 1 of the submissions does not count toward it. Last evaluated 2025-10-13.

Conditions:
FG syndrome (FGS). Identifiers: MedGen C0220769, MONDO:0002010.
MED12-Related Disorders. Also called: MED12-related condition; MED12-related disorder. Identifiers: MedGen CN381102.

Allele frequency attached by ClinVar (database versions not stated): TOPMed below 0.00001; ExAC 0.00001; gnomAD exomes 0.00001; gnomAD 0.00002; ESP Exome Variant Server 0.00010.
gnomAD v4.1: 9 of 1,207,752 alleles (0.00075%); highest among the groups gnomAD compares: Non-Finnish European, 0.001%; no homozygotes.

Submissions (3):

Labcorp Genetics (formerly Invitae), Labcorp
Classification: Likely benign for FG syndrome. Last evaluated: 2025-10-13. Review status: criteria provided, single submitter. Criteria: Invitae Variant Classification Sherloc (09022015). Collection method: clinical testing. Allele origin: germline.

GeneDx
Classification: Likely benign. Last evaluated: 2016-12-06. Review status: criteria provided, single submitter. Criteria: GeneDx Variant Classification (06012015). Collection method: clinical testing. Allele origin: germline. Affected: yes.
Comment: This variant is considered likely benign or benign based on one or more of the following criteria: it is a conservative change, it occurs at a poorly conserved position in the protein, it is predicted to be benign by multiple in silico algorithms, and/or has population frequency not consistent with disease.

PreventionGenetics, part of Exact Sciences
Classification: Likely benign for MED12-related condition. Last evaluated: 2024-02-25. Review status: no assertion criteria provided. Collection method: clinical testing. Allele origin: germline. Not counted in ClinVar's aggregate classification.
Comment: This variant is classified as likely benign based on ACMG/AMP sequence variant interpretation guidelines (Richards et al. 2015 PMID: 25741868, with internal and published modifications).